The following is an entry in ClinVar:

ClinVar aggregate classification (germline): Likely benign (0 of 4 stars; one submission).

Conditions:
STIM1-related disorder. Also called: STIM1-related condition.

gnomAD v4.1: 1 of 1,614,114 alleles (0.000062%); highest among the groups gnomAD compares: Non-Finnish European, 0.000085%; no homozygotes.

Submission:

PreventionGenetics, part of Exact Sciences
Classification: Likely benign for STIM1-related condition. Last evaluated: 2020-06-05. Review status: no assertion criteria provided. Collection method: clinical testing. Allele origin: germline.
Comment: This variant is classified as likely benign based on ACMG/AMP sequence variant interpretation guidelines (Richards et al. 2015 PMID: 25741868, with internal and published modifications).

NM_001382567.1(STIM1):c.831G>A (p.Val277=)

Gene: STIM1 (stromal interaction molecule 1; plus strand). Cytogenetic location: 11p15.4.
Variant type: single nucleotide variant.
Coding change: c.831G>A on transcript NM_001382567.1 (MANE Select); coding-DNA position 831, G replaced by A.
Protein change: p.Val277=; no amino-acid change (valine 277 retained).
Molecular consequence: synonymous variant.
Genome position (GRCh38, 1-based): chr11:4,074,541, G>A. VCF-style: chr11-4074541-G-A. GRCh37 (hg19) VCF-style: chr11-4095771-G-A.
Other names: c.831G>A, p.Val277= (NM_001277961.3, NM_001277962.2, NM_001382568.1 and 2 more transcripts); c.609G>A, p.Val203= (NM_001382566.1, NM_001382573.1, NM_001382574.1 and 5 more transcripts); c.696G>A, p.Val232= (NM_001382569.1); c.603G>A, p.Val201= (NM_001382570.1); c.351G>A, p.Val117= (NM_001382571.1); c.342G>A, p.Val114= (NM_001382580.1, NM_001382581.1).
Identifiers: ClinVar variation 3036159 (VCV003036159.2), dbSNP rs752075574, ClinGen allele CA472549135.